The following is an entry in ClinVar:

ClinVar aggregate classification (germline): Conflicting classifications of pathogenicity. Review status: criteria provided, conflicting classifications (1 of 4 stars). 2 submissions from 2 submitters: Uncertain significance (1); Likely benign (1). Last evaluated 2025-08-12.

Allele frequency attached by ClinVar (database versions not stated): gnomAD exomes 0.00005; ExAC 0.00012; ESP Exome Variant Server 0.00024; gnomAD 0.00027; TOPMed 0.00031; 1000 Genomes Project 30x 0.00047; 1000 Genomes Project 0.00060.
gnomAD v4.1: 117 of 1,614,186 alleles (0.0072%); highest among the groups gnomAD compares: African/African-American, 0.073%; no homozygotes.

Submissions (2):

Ambry Genetics
Classification: Uncertain significance. Last evaluated: 2025-08-12. Review status: criteria provided, single submitter. Criteria: Ambry Variant Classification Scheme 2023. Collection method: clinical testing. Allele origin: germline.

CeGaT Center for Human Genetics Tuebingen
Classification: Likely benign. Last evaluated: 2022-05-01. Review status: criteria provided, single submitter. Criteria: CeGaT Center For Human Genetics Tuebingen Variant Classification Criteria Version 2. Collection method: clinical testing. Allele origin: germline. Affected: yes. Observed: 1 variant allele.
Comment: DLEC1: BP4

NM_007335.4(DLEC1):c.3331C>T (p.Arg1111Cys)

Gene: DLEC1 (DLEC1 cilia and flagella associated protein; plus strand). Cytogenetic location: 3p22.2.
Variant type: single nucleotide variant.
Coding change: c.3331C>T on transcript NM_007335.4 (MANE Select); coding-DNA position 3331, C replaced by T.
Protein change: p.Arg1111Cys; replaces arginine 1111 with cysteine.
Molecular consequence: missense variant.
Genome position (GRCh38, 1-based): chr3:38,110,169, C>T. VCF-style: chr3-38110169-C-T. GRCh37 (hg19) VCF-style: chr3-38151660-C-T.
Other names: c.3340C>T, p.Arg1114Cys (NM_001321153.2); c.3331C>T, p.Arg1111Cys (NM_005106.2, NM_007337.4); c.3331C>T (NM_007337.2); short protein forms R1111C, R1114C.
Identifiers: ClinVar variation 2653666 (VCV002653666.25), dbSNP rs200013784, ClinGen allele CA2314666.